The following is an entry in ClinVar:

NM_004239.4(TRIP11):c.5272C>T (p.Gln1758Ter)

Gene: TRIP11 (thyroid hormone receptor interactor 11; minus strand). Cytogenetic location: 14q32.12.
Variant type: single nucleotide variant.
Coding change: c.5272C>T on transcript NM_004239.4 (MANE Select); coding-DNA position 5272, C replaced by T.
Protein change: p.Gln1758Ter; replaces glutamine 1758 with a stop codon.
Molecular consequence: nonsense.
Genome position (GRCh38, 1-based): chr14:91,976,178, G>A on the plus strand (C>T on the coding strand, the complement: TRIP11 is on the minus strand). VCF-style: chr14-91976178-G-A. GRCh37 (hg19) VCF-style: chr14-92442522-G-A.
Other names: p.Gln1758*; c.5269C>T, p.Gln1757Ter (NM_001321851.1); short protein forms Q1757*, Q1758*.
Identifiers: ClinVar variation 4072357 (VCV004072357.2).

ClinVar aggregate classification (germline): Pathogenic/Likely pathogenic. Review status: criteria provided, multiple submitters, no conflicts (2 of 4 stars). 2 submissions from 2 submitters: Pathogenic (1); Likely pathogenic (1). Last evaluated 2025-07-20.

Conditions:
TRIP11-related disorder. Also called: TRIP11-related condition; TRIP11-Related Disorders.
Achondrogenesis, type IA (ACG1A). Identifiers: Orphanet 932, Orphanet 93299, MedGen C0265273, MONDO:0008701, OMIM 200600.

Submissions (2):

Department of Molecular Genetics, Istishari Arab Hospital
Classification: Likely pathogenic for Achondrogenesis, type IA. Last evaluated: 2025-07-20. Review status: criteria provided, single submitter. Criteria: ACMG Guidelines, 2015. Collection method: clinical testing. Allele origin: inherited. Inheritance: Autosomal recessive inheritance. Affected: yes.
Comment: The TRIP11 variant c.5272C>T creates a premature stop codon at position 1758. To the best of our knowledge this variant was not previously reported in literature. It is classified as likely pathogenic (class 2) according to the recommendations of ACMG/AMP/ClinGen SVI guidelines.

3billion
Classification: Pathogenic for TRIP11-related disorder. Last evaluated: 2025-07-16. Review status: criteria provided, single submitter. Criteria: ACMG Guidelines, 2015. Collection method: clinical testing. Allele origin: germline. Affected: yes.
Comment: The variant is not observed in the gnomAD v4.1.0 dataset. Predicted Consequence/Location: Stop-gained (nonsense): predicted to result in a loss or disruption of normal protein function through nonsense-mediated decay (NMD) or protein truncation. Multiple pathogenic variants are reported downstream of the variant. Therefore, this variant is classified as Pathogenic according to the recommendation of ACMG/AMP guideline.